The following is an entry in ClinVar:

ClinVar aggregate classification (germline): Pathogenic (1 of 4 stars; one submission).

Conditions:
Multiple acyl-CoA dehydrogenase deficiency (MADD). Also called: ETHYLMALONIC-ADIPICACIDURIA; GA II; Glutaric aciduria, type 2; Glutaric acidemia type II; GA 2; Glutaric Acidemia type 2. Identifiers: Orphanet 26791, MedGen C0268596, MONDO:0009282, OMIM 231680.

Submission:

Labcorp Genetics (formerly Invitae), Labcorp
Classification: Pathogenic for Multiple acyl-CoA dehydrogenase deficiency. Last evaluated: 2024-01-07. Review status: criteria provided, single submitter. Criteria: Invitae Variant Classification Sherloc (09022015). Collection method: clinical testing. Allele origin: germline.
Comment: This sequence change creates a premature translational stop signal (p.Lys187Argfs*18) in the ETFA gene. It is expected to result in an absent or disrupted protein product. Loss-of-function variants in ETFA are known to be pathogenic (PMID: 16510302, 23785301). This variant is not present in population databases (gnomAD no frequency). This variant has not been reported in the literature in individuals affected with ETFA-related conditions. For these reasons, this variant has been classified as Pathogenic.

Literature cited by the submitters: PubMed 16510302; PubMed 23785301.

NM_000126.4(ETFA):c.560del (p.Lys187fs)

Gene: ETFA (electron transfer flavoprotein subunit alpha; minus strand). Cytogenetic location: 15q24.2.
Variant type: Deletion.
Coding change: c.560del on transcript NM_000126.4 (MANE Select); coding-DNA position 560, one base deleted (A; older notation c.560delA).
Protein change: p.Lys187fs; shifts the reading frame from lysine 187.
Molecular consequence: frameshift variant.
Genome position (GRCh38, 1-based): chr15:76,286,373, T deleted on the plus strand (A on the coding strand, the reverse complement: ETFA is on the minus strand); the first of 4 consecutive T bases (chr15:76,286,373-76,286,376); deleting any one gives the same sequence. VCF-style (leftmost placement, unchanged base first): chr15-76286372-CT-C. GRCh37 (hg19) VCF-style: chr15-76578713-CT-C.
Other names: c.413del, p.Lys138fs (NM_001127716.2); short protein forms K138fs, K187fs.
Identifiers: ClinVar variation 2819872 (VCV002819872.3), dbSNP rs2543023364, ClinGen allele CA2629673534.